The following is an entry in ClinVar:

NM_001005242.3(PKP2):c.155dup (p.Ser53fs)

Gene: PKP2 (plakophilin 2; minus strand). Cytogenetic location: 12p11.21.
Variant type: Duplication.
Coding change: c.155dup on transcript NM_001005242.3 (MANE Select); coding-DNA position 155, one base duplicated (A; older notation c.155dupA).
Protein change: p.Ser53fs; shifts the reading frame from serine 53.
Molecular consequence: frameshift variant.
Genome position (GRCh38, 1-based): chr12:32,896,577, T duplicated on the plus strand (A on the coding strand, the reverse complement: PKP2 is on the minus strand); the first of 2 consecutive T bases (chr12:32,896,577-32,896,578); duplicating either gives the same sequence. VCF-style (leftmost placement, unchanged base first): chr12-32896576-C-CT. GRCh37 (hg19) VCF-style: chr12-33049510-C-CT.
Other names: c.155dupA (NM_004572.3); c.155dup, p.Ser53fs (NM_004572.4); c.155dup (NM_004572.3); short protein forms S53fs.
Identifiers: ClinVar variation 452533 (VCV000452533.9), dbSNP rs958681660, ClinGen allele CA235280654.

ClinVar aggregate classification (germline): Likely pathogenic. Review status: criteria provided, multiple submitters, no conflicts (2 of 4 stars). 7 submissions from 7 submitters: Likely pathogenic (7). Last evaluated 2023-11-28.

Conditions:
PKP2-related disorder. Also called: PKP2-related condition.
Arrhythmogenic right ventricular cardiomyopathy (ARVD). Also called: Cardiomyopathy, ARVC; Arrhythmogenic right ventricular dysplasia; Arrhythmogenic cardiomyopathy; Arrhythmogenic Right Ventricular Cardiomyopathy (ARVC). Identifiers: Orphanet 247, MedGen C0349788, MeSH D019571, MONDO:0016587. Disease mechanism: loss of function. Inheritance: Various modes of inheritance.
Arrhythmogenic right ventricular dysplasia 9 (ARVD9). Also called: Arrhythmogenic Right Ventricular Dysplasia/Cardiomyopathy 9; ARRHYTHMOGENIC RIGHT VENTRICULAR DYSPLASIA, FAMILIAL, 9. Identifiers: MedGen C1836906, MONDO:0012180, OMIM 609040.

Submissions (7):

All of Us Research Program, National Institutes of Health
Classification: Likely pathogenic for Arrhythmogenic right ventricular cardiomyopathy. Last evaluated: 2023-11-28. Review status: criteria provided, single submitter. Criteria: ACMG Guidelines, 2015. Collection method: clinical testing. Allele origin: germline. Inheritance: Autosomal dominant inheritance. Observed: 1 variant allele, 1 heterozygote.
Comment: This variant is predicted to result in loss of protein function through nonsense-mediated decay or protein truncation. Loss of function is an established mechanism of disease (PMID: 33831308, 24704780, 23486541). This variant is absent from large population databases, including the Genome Aggregation Database.

This study involves interpretation of variants in research participants for the purpose of population health screening. Participant phenotype was not available at the time of variant classification. Additional details can be found in publication PMID: 35346344, PMCID: PMC8962531

Blueprint Genetics
Classification: Likely pathogenic for PKP2-related disorders. Last evaluated: 2023-05-24. Review status: criteria provided, single submitter. Criteria: ACMG Guidelines, 2015. Collection method: clinical testing. Allele origin: germline. Affected: yes. Observed: 1 variant allele.

Laboratory for Molecular Medicine, Mass General Brigham Personalized Medicine
Classification: Likely pathogenic for Arrhythmogenic right ventricular cardiomyopathy. Last evaluated: 2023-03-10. Review status: criteria provided, single submitter. Criteria: ACMG Guidelines, 2015. Collection method: clinical testing. Allele origin: germline. Inheritance: Autosomal dominant inheritance.
Comment: The p.Ser53GlufsX33 variant in PKP2 has not been reported in the literature in individuals with arrhythmogenic right ventricular cardiomyopathy (ARVC), but it has been reported by other clinical laboratories in ClinVar (Variation ID 452533). It was absent from large population studies (gnomAD, v.3.1.2). This variant is predicted to cause a frameshift, which alters the protein’s amino acid sequence beginning at position 53 and leads to a premature termination codon 33 amino acids downstream. Heterozygous loss of function of the PKP2 gene is an established disease mechanism in autosomal dominant right ventricular cardiomyopathy (ARVC). In summary, although additional studies are required to fully establish its clinical significance, this variant meets criteria to be classified as likely pathogenic for autosomal dominant ARVC. ACMG/AMP Criteria applied: PVS1, PM2_Supporting.

Clinical Genetics Laboratory, Skane University Hospital Lund
Classification: Likely pathogenic. Last evaluated: 2022-05-27. Review status: criteria provided, single submitter. Criteria: ACMG Guidelines, 2015. Collection method: clinical testing. Allele origin: germline. Affected: yes.

Center for Genomics, Ann and Robert H. Lurie Children's Hospital of Chicago
Classification: Likely pathogenic for Arrhythmogenic right ventricular dysplasia 9. Last evaluated: 2021-03-30. Review status: criteria provided, single submitter. Criteria: ACMG Guidelines, 2015. Collection method: clinical testing. Allele origin: germline.
Comment: PKP2 NM_004572.3 exon 1 p.Ser53Glufs*33 (c.155dupA): This variant has not been reported in the literature and is not present in large control databases. This variant is present in ClinVar (Variation ID:452533). Evolutionary conservation and computational predictive tools for this variant are limited or unavailable. This variant creates a premature stop codon 33 amino acids downstream from this location which results in an absent or abnormal protein. Loss of function variants have been reported in association with disease for this gene (Rasmussen 2014 PMID:24704780). In summary, data on this variant is highly suspicious for disease, but requires further evidence for pathogenicity. Therefore, this variant classified as likely pathogenic.

Centre for Mendelian Genomics, University Medical Centre Ljubljana
Classification: Likely pathogenic for Arrhythmogenic right ventricular dysplasia 9. Last evaluated: 2020-02-07. Review status: criteria provided, single submitter. Criteria: ACMG Guidelines, 2015. Collection method: clinical testing. Allele origin: unknown. Affected: yes.
Comment: This variant was classified as: Likely pathogenic. The following ACMG criteria were applied in classifying this variant: PVS1,PM2.

GeneDx
Classification: Likely pathogenic. Last evaluated: 2017-10-02. Review status: criteria provided, single submitter. Criteria: GeneDx Variant Classification (06012015). Collection method: clinical testing. Allele origin: germline. Affected: yes.
Comment: Although the c.155dupA likely pathogenic variant in the PKP2 gene has not been reported to our knowledge, this variant causes a shift in reading frame starting at codon serine 53, changing it to a glutamic acid, and creating a premature stop codon at position 33 of the new reading frame, denoted p.Ser53GlufsX33. This variant is expected to result in either an abnormal, truncated protein product or loss of protein from this allele through nonsense-mediated mRNA decay. Multiple other downstream frameshift variants in the PKP2 gene have been reported in Human Gene Mutation Database in association with ARVC (Stenson et al., 2014), indicating that loss of function is a mechanism of disease for this gene. Furthermore, the c.155dupA variant has not been observed in large population cohorts (Lek et al., 2016).

Literature cited by the submitters: PubMed 23486541 (cited by All of Us Research Program, National Institutes of Health); PubMed 24704780 (cited by All of Us Research Program, National Institutes of Health); PubMed 33831308 (cited by All of Us Research Program, National Institutes of Health); PubMed 34379075 (cited by All of Us Research Program, National Institutes of Health).